The following is an entry in ClinVar:

ClinVar aggregate classification (germline): Conflicting classifications of pathogenicity. Review status: criteria provided, conflicting classifications (1 of 4 stars). 5 submissions from 5 submitters: Uncertain significance (4); Likely benign (1). Last evaluated 2025-03-25.

Conditions:
Mismatch repair cancer syndrome 3. Identifiers: MedGen C5436807, MONDO:0030841, OMIM 619097.
Endometrial carcinoma. Also called: Endometrial carcinoma, somatic. Identifiers: MedGen C0476089, MONDO:0002447, OMIM 608089, HP:0012114.
Lynch syndrome 5 (LYNCH5). Also called: Colorectal cancer, hereditary nonpolyposis, type 5; Hereditary non-polyposis colorectal cancer, type 5. Identifiers: Orphanet 144, MedGen C1833477, MONDO:0013710, OMIM 614350. Disease mechanism: loss of function.
Hereditary nonpolyposis colorectal neoplasms. Identifiers: MedGen C0009405, MeSH D003123.
Hereditary cancer-predisposing syndrome. Also called: Neoplastic Syndromes, Hereditary; Tumor predisposition; Hereditary Cancer Syndrome; Hereditary neoplastic syndrome. Identifiers: Orphanet 140162, MedGen C0027672, MeSH D009386, MONDO:0015356.

Allele frequency attached by ClinVar (database versions not stated): gnomAD exomes below 0.00001; ExAC 0.00001; gnomAD 0.00001.
gnomAD v4.1: 13 of 1,612,640 alleles (0.00081%); highest among the groups gnomAD compares: African/African-American, 0.0027%; no homozygotes.

Submissions (5):

Color Diagnostics, LLC DBA Color Health
Classification: Uncertain significance for Hereditary cancer-predisposing syndrome. Last evaluated: 2025-03-25. Review status: criteria provided, single submitter. Criteria: ACMG Guidelines, 2015. Collection method: clinical testing. Allele origin: germline.
Comment: This missense variant replaces histidine with aspartic acid at codon 1207 of the MSH6 protein. Computational prediction suggests that this variant may have deleterious impact on protein structure and function. To our knowledge, functional studies have not been reported for this variant. In a large breast cancer case-control study, this variant has been reported in 1/60466 cases and 0/53461 unaffected controls (PMID: 33471991). This variant has been identified in 1/251440 chromosomes in the general population by the Genome Aggregation Database (gnomAD). The available evidence is insufficient to determine the role of this variant in disease conclusively. Therefore, this variant is classified as a Variant of Uncertain Significance.

Labcorp Genetics (formerly Invitae), Labcorp
Classification: Likely benign for Hereditary nonpolyposis colorectal neoplasms. Last evaluated: 2024-04-22. Review status: criteria provided, single submitter. Criteria: Invitae Variant Classification Sherloc (09022015). Collection method: clinical testing. Allele origin: germline.

Ambry Genetics
Classification: Uncertain significance for Hereditary cancer-predisposing syndrome. Last evaluated: 2024-03-08. Review status: criteria provided, single submitter. Criteria: Ambry Variant Classification Scheme 2023. Collection method: clinical testing. Allele origin: germline.
Comment: The p.H1207D variant (also known as c.3619C>G), located in coding exon 7 of the MSH6 gene, results from a C to G substitution at nucleotide position 3619. The histidine at codon 1207 is replaced by aspartic acid, an amino acid with similar properties. This variant was reported in 1/60,466 breast cancer cases and in 0/53,461 controls (Dorling et al. N Engl J Med. 2021 02;384:428-439). This amino acid position is highly conserved in available vertebrate species. In addition, this alteration is predicted to be deleterious by in silico analysis. Based on the available evidence, the clinical significance of this alteration remains unclear.

Department of Pathology and Laboratory Medicine, Sinai Health System
Classification: Uncertain significance for Endometrial carcinoma; Lynch syndrome 5; Mismatch repair cancer syndrome 3. Last evaluated: 2023-05-17. Review status: criteria provided, single submitter. Criteria: ACMG Guidelines, 2015. Collection method: clinical testing. Allele origin: germline. Affected: no.

GeneDx
Classification: Uncertain significance. Last evaluated: 2022-10-28. Review status: criteria provided, single submitter. Criteria: GeneDx Variant Classification Process June 2021. Collection method: clinical testing. Allele origin: germline. Affected: yes.
Comment: Not observed at significant frequency in large population cohorts (gnomAD); In silico analysis supports that this missense variant has a deleterious effect on protein structure/function; Has not been previously published as pathogenic or benign to our knowledge; This variant is associated with the following publications: (PMID: 17531815, 21120944)

Literature cited by the submitters: PubMed 33471991 (cited by Color Diagnostics, LLC DBA Color Health and Ambry Genetics).

NM_000179.3(MSH6):c.3619C>G (p.His1207Asp)

Gene: MSH6 (mutS homolog 6; plus strand). Cytogenetic location: 2p16.3.
Variant type: single nucleotide variant.
Coding change: c.3619C>G on transcript NM_000179.3 (MANE Select); coding-DNA position 3619, C replaced by G.
Protein change: p.His1207Asp; replaces histidine 1207 with aspartic acid.
Molecular consequence: missense variant.
Genome position (GRCh38, 1-based): chr2:47,805,680, C>G. VCF-style: chr2-47805680-C-G. GRCh37 (hg19) VCF-style: chr2-48032819-C-G.
Other names: c.3229C>G, p.His1077Asp (NM_001281492.2); c.2713C>G, p.His905Asp (NM_001281493.2, NM_001281494.2); short protein forms H1207D, H905D, H1077D.
Identifiers: ClinVar variation 187154 (VCV000187154.20), dbSNP rs760391254, ClinGen allele CA013567.